The following is an entry in ClinVar:

ClinVar aggregate classification (germline): Benign. Review status: criteria provided, multiple submitters, no conflicts (2 of 4 stars). 10 submissions from 10 submitters: Benign (8). 2 of the submissions do not count toward it. Last evaluated 2026-02-04.

Conditions:
MEGF10-related myopathy (CMYO10A). Also called: Congenital myopathy 10A, severe variant. Identifiers: Orphanet 439212, MedGen C3280679, MONDO:0013731, OMIM 614399.

Allele frequency attached by ClinVar (database versions not stated): gnomAD exomes 0.92459 and 0.94448; ESP Exome Variant Server 0.94095; ExAC 0.94472; gnomAD 0.94572 and 0.94655; TOPMed 0.95179; 1000 Genomes Project 0.97344; 1000 Genomes Project 30x 0.97423.
gnomAD v4.1: 1,489,657 of 1,606,830 alleles (93%); highest among the groups gnomAD compares: East Asian, 100%; 691,013 homozygotes.

Submissions (10):

Labcorp Genetics (formerly Invitae), Labcorp
Classification: Benign for MEGF10-related myopathy. Last evaluated: 2026-02-04. Review status: criteria provided, single submitter. Criteria: Invitae Variant Classification Sherloc (09022015). Collection method: clinical testing. Allele origin: germline.

Blueprint Genetics
Classification: Benign. Last evaluated: 2024-11-26. Review status: criteria provided, single submitter. Criteria: ACMG Guidelines, 2015. Collection method: clinical testing. Allele origin: germline.

Genome-Nilou Lab
Classification: Benign for MEGF10-related myopathy. Last evaluated: 2021-09-05. Review status: criteria provided, single submitter. Criteria: ACMG Guidelines, 2015. Collection method: clinical testing. Allele origin: germline. Affected: no.

Illumina Laboratory Services, Illumina
Classification: Benign for MEGF10-related myopathy. Last evaluated: 2018-01-12. Review status: criteria provided, single submitter. Criteria: ICSL Variant Classification Criteria 13 December 2019. Collection method: clinical testing. Allele origin: germline.
Comment: This variant was observed in the ICSL laboratory as part of a predisposition screen in an ostensibly healthy population. It had not been previously curated by ICSL or reported in the Human Gene Mutation Database (HGMD: prior to June 1st, 2018), and was therefore a candidate for classification through an automated scoring system. Utilizing variant allele frequency, disease prevalence and penetrance estimates, and inheritance mode, an automated score was calculated to assess if this variant is too frequent to cause the disease. Based on the score and internal cut-off values, a variant classified as benign is not then subjected to further curation. The score for this variant resulted in a classification of benign for this disease.

Mayo Clinic Laboratories, Mayo Clinic
Classification: Benign. Last evaluated: 2017-07-24. Review status: criteria provided, single submitter. Criteria: ACMG Guidelines, 2015. Collection method: clinical testing. Allele origin: germline. Observed: 461 variant alleles.

Laboratory for Molecular Medicine, Mass General Brigham Personalized Medicine
Classification: Benign. Last evaluated: 2016-03-29. Review status: criteria provided, single submitter. Criteria: LMM Criteria. Collection method: clinical testing. Allele origin: germline.
Comment: Variant identified in a genome or exome case(s) and assessed due to predicted null impact of the variant or pathogenic assertions in the literature or databases. Disclaimer: This variant has not undergone full assessment. The following are preliminary notes: 94% of total chromosomes in ExAC

GeneDx
Classification: Benign. Last evaluated: 2016-01-05. Review status: criteria provided, single submitter. Criteria: GeneDx Variant Classification (06012015). Collection method: clinical testing. Allele origin: germline. Affected: yes.
Comment: This variant is considered likely benign or benign based on one or more of the following criteria: it is a conservative change, it occurs at a poorly conserved position in the protein, it is predicted to be benign by multiple in silico algorithms, and/or has population frequency not consistent with disease.

PreventionGenetics, part of Exact Sciences
Classification: Benign. Review status: criteria provided, single submitter. Criteria: ACMG Guidelines, 2015. Collection method: clinical testing. Allele origin: germline.

Diagnostic Laboratory, Department of Genetics, University Medical Center Groningen
Classification: Benign. Review status: no assertion criteria provided. Collection method: clinical testing. Allele origin: germline. Affected: yes. Study: VKGL Data-share Consensus. Not counted in ClinVar's aggregate classification.

Joint Genome Diagnostic Labs from Nijmegen and Maastricht, Radboudumc and MUMC+
Classification: Benign. Review status: no assertion criteria provided. Collection method: clinical testing. Allele origin: germline. Affected: yes. Study: VKGL Data-share Consensus. Not counted in ClinVar's aggregate classification.

NM_001256545.2(MEGF10):c.1114C>T (p.Leu372=)

Gene: MEGF10 (multiple EGF like domains 10; plus strand). Cytogenetic location: 5q23.2.
Variant type: single nucleotide variant.
Coding change: c.1114C>T on transcript NM_001256545.2 (MANE Select); coding-DNA position 1114, C replaced by T.
Protein change: p.Leu372=; no amino-acid change (leucine 372 retained).
Molecular consequence: synonymous variant.
Genome position (GRCh38, 1-based): chr5:127,410,585, C>T. VCF-style: chr5-127410585-C-T. GRCh37 (hg19) VCF-style: chr5-126746277-C-T.
Other names: p.Leu372=; c.1114C>T, p.Leu372= (NM_001308119.2, NM_001308121.2, NM_032446.3).
Identifiers: ClinVar variation 262060 (VCV000262060.32), dbSNP rs31483, ClinGen allele CA3391486.